The following is an entry in ClinVar:

ClinVar aggregate classification (germline): Uncertain significance (1 of 4 stars; one submission).

Submission:

GeneDx
Classification: Uncertain significance. Last evaluated: 2024-06-16. Review status: criteria provided, single submitter. Criteria: GeneDx Variant Classification Process June 2021. Collection method: clinical testing. Allele origin: germline. Affected: yes.
Comment: Not observed at significant frequency in large population cohorts (gnomAD); In silico analysis supports a deleterious effect on splicing; Has not been previously published as pathogenic or benign to our knowledge.

NM_014727.3(KMT2B):c.7551-7C>G

Gene: KMT2B (lysine methyltransferase 2B; plus strand). Cytogenetic location: 19q13.12.
Variant type: single nucleotide variant.
Coding change: c.7551-7C>G on transcript NM_014727.3 (MANE Select); 7 bases into the intron before coding-DNA position 7551, C replaced by G.
Molecular consequence: intron variant.
Genome position (GRCh38, 1-based): chr19:35,737,629, C>G. VCF-style: chr19-35737629-C-G. GRCh37 (hg19) VCF-style: chr19-36228530-C-G.
Identifiers: ClinVar variation 3390548 (VCV003390548.1).